The following is an entry in ClinVar:

NM_005188.4(CBL):c.1791A>C (p.Lys597Asn)

Gene: CBL (Cbl proto-oncogene; plus strand). Cytogenetic location: 11q23.3.
Variant type: single nucleotide variant.
Coding change: c.1791A>C on transcript NM_005188.4 (MANE Select); coding-DNA position 1791, A replaced by C.
Protein change: p.Lys597Asn; replaces lysine 597 with asparagine.
Molecular consequence: missense variant.
Genome position (GRCh38, 1-based): chr11:119,285,416, A>C. VCF-style: chr11-119285416-A-C. GRCh37 (hg19) VCF-style: chr11-119156126-A-C.
Other names: short protein forms K597N.
Identifiers: ClinVar variation 3995975 (VCV003995975.1).

ClinVar aggregate classification (germline): Uncertain significance (1 of 4 stars; one submission).

Conditions:
Cardiovascular phenotype. Identifiers: MedGen CN230736.

Submission:

Ambry Genetics
Classification: Uncertain significance for Cardiovascular phenotype. Last evaluated: 2025-03-20. Review status: criteria provided, single submitter. Criteria: Ambry Variant Classification Scheme 2023. Collection method: clinical testing. Allele origin: germline.
Comment: The p.K597N variant (also known as c.1791A>C), located in coding exon 11 of the CBL gene, results from an A to C substitution at nucleotide position 1791. The lysine at codon 597 is replaced by asparagine, an amino acid with similar properties. This amino acid position is conserved. In addition, this alteration is predicted to be tolerated by in silico analysis. Based on the available evidence, the clinical significance of this variant remains unclear.